The following is an entry in ClinVar:

NM_022916.6(VPS33A):c.1321A>C (p.Ile441Leu)

Gene: VPS33A (VPS33A core subunit of CORVET and HOPS complexes; minus strand). Cytogenetic location: 12q24.31.
Variant type: single nucleotide variant.
Coding change: c.1321A>C on transcript NM_022916.6 (MANE Select); coding-DNA position 1321, A replaced by C.
Protein change: p.Ile441Leu; replaces isoleucine 441 with leucine.
Molecular consequence: missense variant.
Genome position (GRCh38, 1-based): chr12:122,235,905, T>G on the plus strand (A>C on the coding strand, the complement: VPS33A is on the minus strand). VCF-style: chr12-122235905-T-G. GRCh37 (hg19) VCF-style: chr12-122720452-T-G.
Other names: c.1288A>C, p.Ile430Leu (NM_001351018.2); c.1273A>C, p.Ile425Leu (NM_001351019.2); c.1000A>C, p.Ile334Leu (NM_001351020.2); short protein forms I334L, I430L, I441L, I425L.
Identifiers: ClinVar variation 2185173 (VCV002185173.2), dbSNP rs769066469, ClinGen allele CA6844351.

ClinVar aggregate classification (germline): Uncertain significance (1 of 4 stars; one submission).

Allele frequency attached by ClinVar (database versions not stated): gnomAD 0.00001; ExAC 0.00002; TOPMed 0.00003.
gnomAD v4.1: 12 of 1,612,924 alleles (0.00074%); highest among the groups gnomAD compares: Admixed American, 0.018%; no homozygotes.

Submission:

Labcorp Genetics (formerly Invitae), Labcorp
Classification: Uncertain significance. Last evaluated: 2025-11-10. Review status: criteria provided, single submitter. Criteria: Invitae Variant Classification Sherloc (09022015). Collection method: clinical testing. Allele origin: germline.
Comment: This sequence change replaces isoleucine, which is neutral and non-polar, with leucine, which is neutral and non-polar, at codon 441 of the VPS33A protein (p.Ile441Leu). This variant is present in population databases (rs769066469, gnomAD 0.03%). This variant has not been reported in the literature in individuals affected with VPS33A-related conditions. ClinVar contains an entry for this variant (Variation ID: 2185173). Invitae Evidence Modeling of protein sequence and biophysical properties (such as structural, functional, and spatial information, amino acid conservation, physicochemical variation, residue mobility, and thermodynamic stability) indicates that this missense variant is not expected to disrupt VPS33A protein function with a negative predictive value of 80%. In summary, the available evidence is currently insufficient to determine the role of this variant in disease. Therefore, it has been classified as a Variant of Uncertain Significance.